The following is an entry in ClinVar:

ClinVar aggregate classification (germline): Uncertain significance. Review status: criteria provided, multiple submitters, no conflicts (2 of 4 stars). 2 submissions from 2 submitters: Uncertain significance (2). Last evaluated 2025-10-24.

gnomAD v4.1: 5 of 1,527,380 alleles (0.00033%); highest among the groups gnomAD compares: Non-Finnish European, 0.00044%; no homozygotes.

Submissions (2):

Ambry Genetics
Classification: Uncertain significance. Last evaluated: 2025-10-24. Review status: criteria provided, single submitter. Criteria: Ambry Variant Classification Scheme 2023. Collection method: clinical testing. Allele origin: germline.

Labcorp Genetics (formerly Invitae), Labcorp
Classification: Uncertain significance. Last evaluated: 2023-09-29. Review status: criteria provided, single submitter. Criteria: Invitae Variant Classification Sherloc (09022015). Collection method: clinical testing. Allele origin: germline.
Comment: This variant is not present in population databases (gnomAD no frequency). In summary, the available evidence is currently insufficient to determine the role of this variant in disease. Therefore, it has been classified as a Variant of Uncertain Significance. Advanced modeling of protein sequence and biophysical properties (such as structural, functional, and spatial information, amino acid conservation, physicochemical variation, residue mobility, and thermodynamic stability) has been performed at Invitae for this missense variant, however the output from this modeling did not meet the statistical confidence thresholds required to predict the impact of this variant on LZTS1 protein function. This variant has not been reported in the literature in individuals affected with LZTS1-related conditions. This sequence change replaces arginine, which is basic and polar, with proline, which is neutral and non-polar, at codon 133 of the LZTS1 protein (p.Arg133Pro).

NM_021020.5(LZTS1):c.398G>C (p.Arg133Pro)

Gene: LZTS1 (leucine zipper tumor suppressor 1; minus strand). Cytogenetic location: 8p21.3.
Variant type: single nucleotide variant.
Coding change: c.398G>C on transcript NM_021020.5 (MANE Select); coding-DNA position 398, G replaced by C.
Protein change: p.Arg133Pro; replaces arginine 133 with proline.
Molecular consequence: missense variant.
Genome position (GRCh38, 1-based): chr8:20,253,533, C>G on the plus strand (G>C on the coding strand, the complement: LZTS1 is on the minus strand). VCF-style: chr8-20253533-C-G. GRCh37 (hg19) VCF-style: chr8-20111044-C-G.
Other names: c.398G>C, p.Arg133Pro (NM_001362884.2); c.398G>C (NM_021020.2); short protein forms R133P.
Identifiers: ClinVar variation 2991950 (VCV002991950.4), dbSNP rs771666520, ClinGen allele CA370478352.